The following is an entry in ClinVar:

ClinVar aggregate classification (germline): Uncertain significance (1 of 4 stars; one submission).

Conditions:
Cardiovascular phenotype. Identifiers: MedGen CN230736.

Allele frequency attached by ClinVar (database versions not stated): gnomAD exomes below 0.00001; ExAC 0.00002.
gnomAD v4.1: 1 of 1,613,872 alleles (0.000062%); highest among the groups gnomAD compares: Non-Finnish European, 0.000085%; no homozygotes.

Submission:

Ambry Genetics
Classification: Uncertain significance for Cardiovascular phenotype. Last evaluated: 2021-07-22. Review status: criteria provided, single submitter. Criteria: Ambry Variant Classification Scheme 2023. Collection method: clinical testing. Allele origin: germline.
Comment: The p.F552C variant (also known as c.1655T>G), located in coding exon 7 of the PKP2 gene, results from a T to G substitution at nucleotide position 1655. The phenylalanine at codon 552 is replaced by cysteine, an amino acid with highly dissimilar properties. This alteration has been reported in an arrhythmogenic right ventricular cardiomyopathy (ARVC) cohort; however, additional cardiac-related alterations were identified in this case (De Bortoli M et al. Eur J Hum Genet, 2010 Jul;18:776-82). This amino acid position is not well conserved in available vertebrate species. In addition, the in silico prediction for this alteration is inconclusive. Since supporting evidence is limited at this time, the clinical significance of this alteration remains unclear.

Literature cited by the submitters: PubMed 20197793.

NM_001005242.3(PKP2):c.1523T>G (p.Phe508Cys)

Gene: PKP2 (plakophilin 2; minus strand). Cytogenetic location: 12p11.21.
Variant type: single nucleotide variant.
Coding change: c.1523T>G on transcript NM_001005242.3 (MANE Select); coding-DNA position 1523, T replaced by G.
Protein change: p.Phe508Cys; replaces phenylalanine 508 with cysteine.
Molecular consequence: missense variant.
Genome position (GRCh38, 1-based): chr12:32,841,061, A>C on the plus strand (T>G on the coding strand, the complement: PKP2 is on the minus strand). VCF-style: chr12-32841061-A-C. GRCh37 (hg19) VCF-style: chr12-32993995-A-C.
Other names: c.1523T>G, p.Phe508Cys (NM_001407155.1, NM_001407156.1, NM_001407161.1); c.1655T>G, p.Phe552Cys (NM_001407157.1, NM_004572.4); c.1196T>G, p.Phe399Cys (NM_001407158.1, NM_001407159.1, NM_001407160.1 and 1 more transcripts); short protein forms F552C, F508C, F399C.
Identifiers: ClinVar variation 1777344 (VCV001777344.2), dbSNP rs775866434, ClinGen allele CA029892.